The following is an entry in ClinVar:

NM_003664.5(AP3B1):c.279+7T>C

Gene: AP3B1 (adaptor related protein complex 3 subunit beta 1; minus strand). Cytogenetic location: 5q14.1.
Variant type: single nucleotide variant.
Coding change: c.279+7T>C on transcript NM_003664.5 (MANE Select); 7 bases into the intron after coding-DNA position 279, T replaced by C.
Molecular consequence: intron variant.
Genome position (GRCh38, 1-based): chr5:78,240,855, A>G on the plus strand (T>C on the coding strand, the complement: AP3B1 is on the minus strand). VCF-style: chr5-78240855-A-G. GRCh37 (hg19) VCF-style: chr5-77536679-A-G.
Other names: p.?; c.132+7T>C (NM_001271769.2); c.279+7T>C (NM_001410752.1).
Identifiers: ClinVar variation 4684850 (VCV004684850.1).

ClinVar aggregate classification (germline): Likely benign (1 of 4 stars; one submission).

gnomAD v4.1: 2 of 1,594,226 alleles (0.00013%); highest among the groups gnomAD compares: Non-Finnish European, 0.000086%; no homozygotes.

Submission:

Mayo Clinic Laboratories, Mayo Clinic
Classification: Likely benign. Last evaluated: 2025-01-13. Review status: criteria provided, single submitter. Criteria: ACMG Guidelines, 2015. Collection method: clinical testing. Allele origin: germline. Observed: 1 variant allele.
Comment: BP4, BP7, PM2_supporting